The following is an entry in ClinVar:

ClinVar aggregate classification (germline): Uncertain significance (1 of 4 stars; one submission).

Conditions:
Early-infantile DEE. Also called: Ohtahara syndrome; Early infantile epileptic encephalopathy with suppression bursts; Early infantile epileptic encephalopathy. Identifiers: Orphanet 1934, MedGen C0393706, MONDO:0800491.

Submission:

Labcorp Genetics (formerly Invitae), Labcorp
Classification: Uncertain significance for Early-infantile DEE. Last evaluated: 2023-08-17. Review status: criteria provided, single submitter. Criteria: Invitae Variant Classification Sherloc (09022015). Collection method: clinical testing. Allele origin: germline.
Comment: ClinVar contains an entry for this variant (Variation ID: 1430585). In summary, the available evidence is currently insufficient to determine the role of this variant in disease. Therefore, it has been classified as a Variant of Uncertain Significance. Advanced modeling of protein sequence and biophysical properties (such as structural, functional, and spatial information, amino acid conservation, physicochemical variation, residue mobility, and thermodynamic stability) performed at Invitae indicates that this missense variant is not expected to disrupt KCNH5 protein function. This variant has not been reported in the literature in individuals affected with KCNH5-related conditions. This variant is not present in population databases (gnomAD no frequency). This sequence change replaces leucine, which is neutral and non-polar, with valine, which is neutral and non-polar, at codon 363 of the KCNH5 protein (p.Leu363Val).

NM_139318.5(KCNH5):c.1087C>G (p.Leu363Val)

Gene: KCNH5 (potassium voltage-gated channel subfamily H member 5; minus strand). Cytogenetic location: 14q23.2.
Variant type: single nucleotide variant.
Coding change: c.1087C>G on transcript NM_139318.5 (MANE Select); coding-DNA position 1087, C replaced by G.
Protein change: p.Leu363Val; replaces leucine 363 with valine.
Molecular consequence: missense variant.
Genome position (GRCh38, 1-based): chr14:62,950,415, G>C on the plus strand (C>G on the coding strand, the complement: KCNH5 is on the minus strand). VCF-style: chr14-62950415-G-C. GRCh37 (hg19) VCF-style: chr14-63417133-G-C.
Other names: c.1087C>G, p.Leu363Val (NM_172375.3); short protein forms L363V.
Identifiers: ClinVar variation 1430585 (VCV001430585.9), dbSNP rs2140130561, ClinGen allele CA390103299.
Genomic context (GRCh38, chr14:62,950,415, plus strand): 5'-TGGTGTTAGTGACTTCATCAATGACCTCGTAGTCTCCGATGCTATACCATATGCAGGCCA[G>C]CCAGTGGGCCACCAGTCCAAACACACACACCAGGAGCACGAGGACTGCTGCTCCATATTC-3'
Protein context (NP_647479.2, residues 353-373): VCVFGLVAHW[Leu363Val]ACIWYSIGDY